The following is an entry in ClinVar:

NM_014585.6(SLC40A1):c.1659C>A (p.Cys553Ter)

Gene: SLC40A1 (solute carrier family 40 member 1; minus strand). Cytogenetic location: 2q32.2.
Variant type: single nucleotide variant.
Coding change: c.1659C>A on transcript NM_014585.6 (MANE Select); coding-DNA position 1659, C replaced by A.
Protein change: p.Cys553Ter; replaces cysteine 553 with a stop codon.
Molecular consequence: nonsense.
Genome position (GRCh38, 1-based): chr2:189,561,935, G>T on the plus strand (C>A on the coding strand, the complement: SLC40A1 is on the minus strand). VCF-style: chr2-189561935-G-T. GRCh37 (hg19) VCF-style: chr2-190426661-G-T.
Other names: short protein forms C553*.
Identifiers: ClinVar variation 3389624 (VCV003389624.14).
Genomic context (GRCh38, chr2:189,561,935, plus strand): 5'-GTCTCAAACAACAGATGTATTTGCTTGATTTTCCTTCCTAACTTCTTTTGCATCAGGACC[G>T]CAAGCAAAGAGCTTGTTTCCCAGAGTATTTTGGGCAAATCGGAAATACATAATGTGGCCC-3'

ClinVar aggregate classification (germline): Uncertain significance (1 of 4 stars; one submission).

Submission:

CeGaT Center for Human Genetics Tuebingen
Classification: Uncertain significance. Last evaluated: 2024-09-01. Review status: criteria provided, single submitter. Criteria: CeGaT Center For Human Genetics Tuebingen Variant Classification Criteria Version 2. Collection method: clinical testing. Allele origin: germline. Affected: yes. Observed: 1 variant allele.
Comment: SLC40A1: PM2, PVS1:Moderate